The following is an entry in ClinVar:

ClinVar aggregate classification (germline): Uncertain significance (1 of 4 stars; one submission).

Conditions:
Cardiovascular phenotype. Identifiers: MedGen CN230736.

Submission:

Ambry Genetics
Classification: Uncertain significance for Cardiovascular phenotype. Last evaluated: 2023-07-11. Review status: criteria provided, single submitter. Criteria: Ambry Variant Classification Scheme 2023. Collection method: clinical testing. Allele origin: germline.
Comment: The c.643delC variant, located in coding exon 6 of the ANKRD1 gene, results from a deletion of one nucleotide at nucleotide position 643, causing a translational frameshift with a predicted alternate stop codon (p.R215Efs*13). This alteration is expected to result in protein truncation or nonsense-mediated mRNA decay. However, loss of function of ANKRD1 has not been established as a mechanism of disease. The evidence for this gene-disease relationship is limited; therefore, the clinical significance of this alteration is unclear.

NM_014391.3(ANKRD1):c.643del (p.Arg215fs)

Gene: ANKRD1 (ankyrin repeat domain 1; minus strand). Cytogenetic location: 10q23.31.
Variant type: Deletion.
Coding change: c.643del on transcript NM_014391.3 (MANE Select); coding-DNA position 643, one base deleted (C; older notation c.643delC).
Protein change: p.Arg215fs; shifts the reading frame from arginine 215.
Molecular consequence: frameshift variant.
Genome position (GRCh38, 1-based): chr10:90,916,179, G deleted on the plus strand (C on the coding strand, the reverse complement: ANKRD1 is on the minus strand); the first of 3 consecutive G bases (chr10:90,916,179-90,916,181); deleting any one gives the same sequence. VCF-style (leftmost placement, unchanged base first): chr10-90916178-CG-C. GRCh37 (hg19) VCF-style: chr10-92675935-CG-C.
Other names: c.643delC (NM_014391.2); short protein forms R215fs.
Identifiers: ClinVar variation 2626153 (VCV002626153.2), dbSNP rs2492956641, ClinGen allele CA2582342719.